The following is an entry in ClinVar:

ClinVar aggregate classification (germline): Pathogenic/Likely pathogenic. Review status: criteria provided, multiple submitters, no conflicts (2 of 4 stars). 2 submissions from 2 submitters: Pathogenic (1); Likely pathogenic (1). Last evaluated 2025-12-26.

Submissions (2):

GeneDx
Classification: Pathogenic. Last evaluated: 2025-12-26. Review status: criteria provided, single submitter. Criteria: GeneDx Variant Classification Process June 2021. Collection method: clinical testing. Allele origin: germline. Affected: yes.
Comment: In silico analysis supports that this missense variant has a deleterious effect on protein structure/function; Not observed at significant frequency in large population cohorts (gnomAD); This variant is associated with the following publications: (PMID: 36987741)

Dasa
Classification: Likely pathogenic. Last evaluated: 2025-08-26. Review status: criteria provided, single submitter. Criteria: DASA Assertion Criteria. Collection method: clinical testing. Allele origin: germline.
Comment: NM_007118.4(TRIO):c.4112A>G (p.His1371Arg) is a missense variant that results in the substitution of histidine with arginine. The affected residue or protein region has prior evidence supporting clinical relevance. This variant is absent from population databases. Computational evidence supports a deleterious effect. Based on the currently available evidence, this variant is classified as likely pathogenic.

NM_007118.4(TRIO):c.4112A>G (p.His1371Arg)

Gene: TRIO (trio Rho guanine nucleotide exchange factor; plus strand). Cytogenetic location: 5p15.2.
Variant type: single nucleotide variant.
Coding change: c.4112A>G on transcript NM_007118.4 (MANE Select); coding-DNA position 4112, A replaced by G.
Protein change: p.His1371Arg; replaces histidine 1371 with arginine.
Molecular consequence: missense variant. On other transcripts: non-coding transcript variant (1).
Genome position (GRCh38, 1-based): chr5:14,390,284, A>G. VCF-style: chr5-14390284-A-G. GRCh37 (hg19) VCF-style: chr5-14390393-A-G.
Other names: short protein forms H1371R.
Identifiers: ClinVar variation 1254169 (VCV001254169.8), dbSNP rs2152363798, ClinGen allele CA359230677.